The following is an entry in ClinVar:

NM_000165.5(GJA1):c.201C>T (p.Asp67=)

Gene: GJA1 (gap junction protein alpha 1; plus strand). Cytogenetic location: 6q22.31.
Variant type: single nucleotide variant.
Coding change: c.201C>T on transcript NM_000165.5 (MANE Select); coding-DNA position 201, C replaced by T.
Protein change: p.Asp67=; no amino-acid change (aspartic acid 67 retained).
Molecular consequence: synonymous variant.
Genome position (GRCh38, 1-based): chr6:121,447,048, C>T. VCF-style: chr6-121447048-C-T. GRCh37 (hg19) VCF-style: chr6-121768194-C-T.
Identifiers: ClinVar variation 1306738 (VCV001306738.3), dbSNP rs1282411388, ClinGen allele CA452134223.

ClinVar aggregate classification (germline): Uncertain significance (1 of 4 stars; one submission).

Allele frequency attached by ClinVar (database versions not stated): TOPMed 0.00002; gnomAD 0.00003.
gnomAD v4.1: 4 of 1,613,326 alleles (0.00025%); highest among the groups gnomAD compares: African/African-American, 0.0053%; no homozygotes.

Submission:

GeneDx
Classification: Uncertain significance. Last evaluated: 2023-12-24. Review status: criteria provided, single submitter. Criteria: GeneDx Variant Classification Process June 2021. Collection method: clinical testing. Allele origin: germline. Affected: yes.
Comment: Not observed at significant frequency in large population cohorts (gnomAD); In silico analysis supports that this variant does not alter splicing; Has not been previously published as pathogenic or benign to our knowledge